The following is an entry in ClinVar:

NM_001145026.2(PTPRQ):c.2547G>A (p.Thr849=)

Gene: PTPRQ (protein tyrosine phosphatase receptor type Q; plus strand). Cytogenetic location: 12q21.31.
Variant type: single nucleotide variant.
Coding change: c.2547G>A on transcript NM_001145026.2 (MANE Select); coding-DNA position 2547, G replaced by A.
Protein change: p.Thr849=; no amino-acid change (threonine 849 retained).
Molecular consequence: synonymous variant.
Genome position (GRCh38, 1-based): chr12:80,506,660, G>A. VCF-style: chr12-80506660-G-A. GRCh37 (hg19) VCF-style: chr12-80900439-G-A.
Identifiers: ClinVar variation 1195255 (VCV001195255.27), dbSNP rs368115315, ClinGen allele CA6702559.
Genomic context (GRCh38, chr12:80,506,660, plus strand): 5'-GGTGTCTGCTAGTACACTCAAAGGTGAAGGAGTTCGGAGTGCTCCCATAAGTATACTGAC[G>A]GAGGAAGATGGTAAATATAATAGTGGATATTGATATACTTTGATTCTATAACATTCCAAG-3'
Protein context (NP_001138498.1, residues 839-859): GVRSAPISIL[Thr849=]EEDAPDSPPQ

ClinVar aggregate classification (germline): Likely benign. Review status: criteria provided, multiple submitters, no conflicts (2 of 4 stars). 3 submissions from 3 submitters: Likely benign (3). Last evaluated 2024-11-11.

Allele frequency attached by ClinVar (database versions not stated): gnomAD exomes 0.00005 and 0.00007; ExAC 0.00015; TOPMed 0.00026; gnomAD 0.00028 and 0.00030; 1000 Genomes Project 0.00040; 1000 Genomes Project 30x 0.00062; ESP Exome Variant Server 0.00066.
gnomAD v4.1: 124 of 1,539,428 alleles (0.0081%); highest among the groups gnomAD compares: African/African-American, 0.13%; 1 homozygote.

Submissions (3):

Blueprint Genetics
Classification: Likely benign. Last evaluated: 2024-11-11. Review status: criteria provided, single submitter. Criteria: ACMG Guidelines, 2015. Collection method: clinical testing. Allele origin: germline.

CeGaT Center for Human Genetics Tuebingen
Classification: Likely benign. Last evaluated: 2022-10-01. Review status: criteria provided, single submitter. Criteria: CeGaT Center For Human Genetics Tuebingen Variant Classification Criteria Version 2. Collection method: clinical testing. Allele origin: germline. Affected: yes. Observed: 1 variant allele.
Comment: PTPRQ: BP4, BP7

GeneDx
Classification: Likely benign. Last evaluated: 2020-08-04. Review status: criteria provided, single submitter. Criteria: GeneDx Variant Classification Process June 2021. Collection method: clinical testing. Allele origin: germline. Affected: yes.